The following is an entry in ClinVar:

ClinVar aggregate classification (germline): Likely benign. Review status: criteria provided, single submitter (1 of 4 stars). 2 submissions from 2 submitters: Likely benign (1). 1 of the submissions does not count toward it. Last evaluated 2024-10-22.

Conditions:
CCDC65-related disorder. Also called: CCDC65-related condition.

Allele frequency attached by ClinVar (database versions not stated): ExAC 0.00111; 1000 Genomes Project 0.00379; TOPMed 0.00395; 1000 Genomes Project 30x 0.00422; ESP Exome Variant Server 0.00431.
gnomAD v4.1: 1,062 of 1,600,644 alleles (0.066%); highest among the groups gnomAD compares: African/African-American, 1.2%; 2 homozygotes.

Submissions (2):

Blueprint Genetics
Classification: Likely benign. Last evaluated: 2024-10-22. Review status: criteria provided, single submitter. Criteria: ACMG Guidelines, 2015. Collection method: clinical testing. Allele origin: germline.

PreventionGenetics, part of Exact Sciences
Classification: Benign for CCDC65-related condition. Last evaluated: 2019-09-24. Review status: no assertion criteria provided. Collection method: clinical testing. Allele origin: germline. Not counted in ClinVar's aggregate classification.
Comment: This variant is classified as benign based on ACMG/AMP sequence variant interpretation guidelines (Richards et al. 2015 PMID: 25741868, with internal and published modifications).

NM_033124.5(DRC2):c.*8T>A

Gene: DRC2 (dynein regulatory complex subunit 2; plus strand). Cytogenetic location: 12q13.12.
Variant type: single nucleotide variant.
Coding change: c.*8T>A on transcript NM_033124.5 (MANE Select); 8 bases downstream of the stop codon, T replaced by A.
Molecular consequence: 3 prime UTR variant.
Genome position (GRCh38, 1-based): chr12:48,921,451, T>A. VCF-style: chr12-48921451-T-A. GRCh37 (hg19) VCF-style: chr12-49315234-T-A.
Other names: c.*8T>A (NM_001286957.2).
Identifiers: ClinVar variation 3044818 (VCV003044818.3), dbSNP rs143009264, ClinGen allele CA6543521.
Genomic context (GRCh38, chr12:48,921,451, plus strand): 5'-CCTTGTCCATACGTATAGCCCATCCAGGTGATAAACAACATCCAACCACTTAAAATATAA[T>A]TGAAGCAGCCCAGATGATCTTCCACAACCTGTGATCTAAGGAAAAAAATCTTTCAACTCC-3'